The following is an entry in ClinVar:

ClinVar aggregate classification (germline): Pathogenic (1 of 4 stars; one submission).

Conditions:
Primary ciliary dyskinesia. Also called: Ciliary dyskinesia. Identifiers: Orphanet 244, MedGen C0008780, MONDO:0016575, HP:0012265.

Submission:

Institute of Reproductive and Stem Cell Engineering, Central South University
Classification: Pathogenic for Primary ciliary dyskinesia. Last evaluated: 2020-01-16. Review status: criteria provided, single submitter. Criteria: Tu et al. (Hum Genet. 2020). Collection method: research. Allele origin: germline, not applicable. Inheritance: Autosomal recessive inheritance. Affected: yes. Observed: 2 variant alleles, 2 homozygotes. Clinical features observed: primary ciliary dyskinesia and male infertility. Functional consequence: effect on protein degradation.
Comment: RT-PCR followed by Sanger sequencing were applied to assess the functional consequence of the splice variant in family 1 (c.2507 + 5delG). This variant caused aberrant splicing and led to the skipping of exon 17, giving rise to an out-of-frame fusion of exon 16 and exon 18. The disrupted coding frame introduced downstream premature termination codon (PTC) and led to truncated SPEF2 proteins of 801 (exon 18) amino acids

NM_024867.4(SPEF2):c.2507+5del

Gene: SPEF2 (sperm flagellar and cilia associated 2; plus strand). Cytogenetic location: 5p13.2.
Variant type: Deletion.
Coding change: c.2507+5del on transcript NM_024867.4 (MANE Select); 5 bases into the intron after coding-DNA position 2507, one base deleted (G; older notation c.2507+5delG).
Molecular consequence: intron variant.
Genome position (GRCh38, 1-based): chr5:35,704,667, G deleted. VCF-style (leftmost placement, unchanged base first): chr5-35704666-AG-A. GRCh37 (hg19) VCF-style: chr5-35704768-AG-A.
Other names: c.2507+5delG (NM_024867.4).
Identifiers: ClinVar variation 870097 (VCV000870097.4), dbSNP rs1739374011, ClinGen allele CA916082697.